The following is an entry in ClinVar:

ClinVar aggregate classification (germline): Likely benign. Review status: criteria provided, multiple submitters, no conflicts (2 of 4 stars). 3 submissions from 3 submitters: Likely benign (2). 1 of the submissions does not count toward it. Last evaluated 2025-12-18.

Conditions:
NEB-related disorder. Also called: NEB-related condition; NEB-Related Disorders.
Nemaline myopathy 2 (NEM2). Also called: Nemaline myopathy 2, autosomal recessive. Identifiers: MedGen C1850569, MONDO:0009725, OMIM 256030.

Allele frequency attached by ClinVar (database versions not stated): gnomAD 0.00006; gnomAD exomes 0.00007 and 0.00010; TOPMed 0.00007; ExAC 0.00021.
gnomAD v4.1: 109 of 1,608,826 alleles (0.0068%); highest among the groups gnomAD compares: Non-Finnish European, 0.0087%; no homozygotes.

Submissions (3):

Labcorp Genetics (formerly Invitae), Labcorp
Classification: Likely benign for Nemaline myopathy 2. Last evaluated: 2025-12-18. Review status: criteria provided, single submitter. Criteria: Invitae Variant Classification Sherloc (09022015). Collection method: clinical testing. Allele origin: germline.

GeneDx
Classification: Likely benign. Last evaluated: 2017-10-17. Review status: criteria provided, single submitter. Criteria: GeneDx Variant Classification (06012015). Collection method: clinical testing. Allele origin: germline. Affected: yes.
Comment: This variant is considered likely benign or benign based on one or more of the following criteria: it is a conservative change, it occurs at a poorly conserved position in the protein, it is predicted to be benign by multiple in silico algorithms, and/or has population frequency not consistent with disease.

PreventionGenetics, part of Exact Sciences
Classification: Likely benign for NEB-related condition. Last evaluated: 2019-04-01. Review status: no assertion criteria provided. Collection method: clinical testing. Allele origin: germline. Not counted in ClinVar's aggregate classification.
Comment: This variant is classified as likely benign based on ACMG/AMP sequence variant interpretation guidelines (Richards et al. 2015 PMID: 25741868, with internal and published modifications).

NM_001164508.2(NEB):c.5247C>T (p.Tyr1749=)

Gene: NEB (nebulin; minus strand). Cytogenetic location: 2q23.3.
Variant type: single nucleotide variant.
Coding change: c.5247C>T on transcript NM_001164508.2 (MANE Select); coding-DNA position 5247, C replaced by T.
Protein change: p.Tyr1749=; no amino-acid change (tyrosine 1749 retained).
Molecular consequence: synonymous variant.
Genome position (GRCh38, 1-based): chr2:151,664,855, G>A on the plus strand (C>T on the coding strand, the complement: NEB is on the minus strand). VCF-style: chr2-151664855-G-A. GRCh37 (hg19) VCF-style: chr2-152521369-G-A.
Other names: c.5247C>T, p.Tyr1749= (NM_001164507.2, NM_001271208.2, NM_004543.5).
Identifiers: ClinVar variation 512728 (VCV000512728.15), dbSNP rs777520288, ClinGen allele CA1910410.